The following is an entry in ClinVar:

ClinVar aggregate classification (germline): Pathogenic. Review status: criteria provided, multiple submitters, no conflicts (2 of 4 stars). 2 submissions from 2 submitters: Pathogenic (2). Last evaluated 2025-09-06.

Conditions:
Congenital myotonia, autosomal dominant form (THD). Also called: THOMSEN DISEASE; Myotonia congenita autosomal dominant. Identifiers: Orphanet 614, MedGen C2936781, MONDO:0008055, OMIM 160800.
Congenital myotonia, autosomal recessive form. Also called: BECKER DISEASE; myotonia congenita, autosomal recessive; Becker Generalized Myotonia. Identifiers: Orphanet 614, MedGen C0751360, MONDO:0009715, OMIM 255700.

Submissions (2):

Labcorp Genetics (formerly Invitae), Labcorp
Classification: Pathogenic for Congenital myotonia, autosomal recessive form; Congenital myotonia, autosomal dominant form. Last evaluated: 2025-09-06. Review status: criteria provided, single submitter. Criteria: Invitae Variant Classification Sherloc (09022015). Collection method: clinical testing. Allele origin: germline.
Comment: This sequence change creates a premature translational stop signal (p.Ser149Valfs*110) in the CLCN1 gene. It is expected to result in an absent or disrupted protein product. Loss-of-function variants in CLCN1 are known to be pathogenic (PMID: 17932099, 22094069, 23739125). This variant is not present in population databases (gnomAD no frequency). This variant has not been reported in the literature in individuals affected with CLCN1-related conditions. ClinVar contains an entry for this variant (Variation ID: 2662806). For these reasons, this variant has been classified as Pathogenic.

GeneDx
Classification: Pathogenic. Last evaluated: 2023-10-03. Review status: criteria provided, single submitter. Criteria: GeneDx Variant Classification Process June 2021. Collection method: clinical testing. Allele origin: germline. Affected: yes.
Comment: Frameshift variant predicted to result in protein truncation or nonsense mediated decay in a gene for which loss of function is a known mechanism of disease; Not observed at significant frequency in large population cohorts (gnomAD); Has not been previously published as pathogenic or benign to our knowledge

Literature cited by the submitters: PubMed 17932099 (cited by Labcorp Genetics (formerly Invitae), Labcorp); PubMed 22094069 (cited by Labcorp Genetics (formerly Invitae), Labcorp); PubMed 23739125 (cited by Labcorp Genetics (formerly Invitae), Labcorp).

NM_000083.3(CLCN1):c.444dup (p.Ser149fs)

Gene: CLCN1 (chloride voltage-gated channel 1; plus strand). Cytogenetic location: 7q34.
Variant type: Duplication.
Coding change: c.444dup on transcript NM_000083.3 (MANE Select); coding-DNA position 444, one base duplicated (G; older notation c.444dupG).
Protein change: p.Ser149fs; shifts the reading frame from serine 149.
Molecular consequence: frameshift variant. On other transcripts: non-coding transcript variant (1).
Genome position (GRCh38, 1-based): chr7:143,321,375, G duplicated; the last of 2 consecutive G bases (chr7:143,321,374-143,321,375); duplicating either gives the same sequence. VCF-style (leftmost placement, unchanged base first): chr7-143321373-T-TG. GRCh37 (hg19) VCF-style: chr7-143018466-T-TG.
Other names: short protein forms S149fs.
Identifiers: ClinVar variation 2662806 (VCV002662806.4), dbSNP rs1389779829, ClinGen allele CA458541959.
Genomic context (GRCh38, chr7:143,321,373, plus strand): 5'-GACACGGCTGCTCAGCCATGTTCTGCCTAACCCCAGGCATGTGTCTCCGCAGCCTACAAG[T>TG]GGTCCTACGCGCAGATGCAGCCCAGCCTTCCTCTGCAGTTCCTGGTCTGGGTCACCTTCC-3'